The following is an entry in ClinVar:

ClinVar aggregate classification (germline): Benign/Likely benign. Review status: criteria provided, multiple submitters, no conflicts (2 of 4 stars). 3 submissions from 3 submitters: Benign (1); Likely benign (2). Last evaluated 2025-11-10.

Conditions:
Hereditary nonpolyposis colorectal neoplasms. Identifiers: MedGen C0009405, MeSH D003123.
Lynch syndrome 5 (LYNCH5). Also called: Hereditary non-polyposis colorectal cancer, type 5; Colorectal cancer, hereditary nonpolyposis, type 5. Identifiers: Orphanet 144, MedGen C1833477, MONDO:0013710, OMIM 614350. Disease mechanism: loss of function.

Submissions (3):

Labcorp Genetics (formerly Invitae), Labcorp
Classification: Likely benign for Hereditary nonpolyposis colorectal neoplasms. Last evaluated: 2025-11-10. Review status: criteria provided, single submitter. Criteria: Invitae Variant Classification Sherloc (09022015). Collection method: clinical testing. Allele origin: germline.

Myriad Genetics, Inc.
Classification: Benign for Lynch syndrome 5. Last evaluated: 2024-12-19. Review status: criteria provided, single submitter. Criteria: Myriad Autosomal Dominant, Autosomal Recessive and X-Linked Classification Criteria (2023). Collection method: clinical testing. Allele origin: unknown.
Comment: This variant is considered benign. This variant is a silent/synonymous amino acid change and it is not expected to impact splicing.

GeneDx
Classification: Likely benign. Last evaluated: 2017-09-28. Review status: criteria provided, single submitter. Criteria: GeneDx Variant Classification (06012015). Collection method: clinical testing. Allele origin: germline. Affected: yes.
Comment: This variant is considered likely benign or benign based on one or more of the following criteria: it is a conservative change, it occurs at a poorly conserved position in the protein, it is predicted to be benign by multiple in silico algorithms, and/or has population frequency not consistent with disease.

NM_000179.3(MSH6):c.729C>T (p.Arg243=)

Gene: MSH6 (mutS homolog 6; plus strand). Cytogenetic location: 2p16.3.
Variant type: single nucleotide variant.
Coding change: c.729C>T on transcript NM_000179.3 (MANE Select); coding-DNA position 729, C replaced by T.
Protein change: p.Arg243=; no amino-acid change (arginine 243 retained).
Molecular consequence: synonymous variant. On other transcripts: 5 prime UTR variant (2).
Genome position (GRCh38, 1-based): chr2:47,798,712, C>T. VCF-style: chr2-47798712-C-T. GRCh37 (hg19) VCF-style: chr2-48025851-C-T.
Other names: c.339C>T, p.Arg113= (NM_001281492.2); c.-178C>T (NM_001281493.2, NM_001281494.2).
Identifiers: ClinVar variation 512483 (VCV000512483.5), dbSNP rs1553412161, ClinGen allele CA426120681.